The following is an entry in ClinVar:

ClinVar aggregate classification (germline): Likely benign (1 of 4 stars; one submission).

Submission:

CeGaT Center for Human Genetics Tuebingen
Classification: Likely benign. Last evaluated: 2025-09-01. Review status: criteria provided, single submitter. Criteria: CeGaT Center For Human Genetics Tuebingen Variant Classification Criteria Version 2. Collection method: clinical testing. Allele origin: germline. Affected: yes. Observed: 1 variant allele.
Comment: MUC2: BS2

NM_002457.5(MUC2):c.12467C>T (p.Pro4156Leu)

Gene: MUC2 (mucin 2, oligomeric mucus/gel-forming; plus strand). Cytogenetic location: 11p15.5.
Variant type: single nucleotide variant.
Coding change: c.12467C>T on transcript NM_002457.5 (MANE Select); coding-DNA position 12467, C replaced by T.
Protein change: p.Pro4156Leu; replaces proline 4156 with leucine.
Molecular consequence: missense variant.
Genome position (GRCh38, 1-based): chr11:1,099,801, C>T. VCF-style: chr11-1099801-C-T. GRCh37 (hg19) VCF-style: chr11-1093709-C-T.
Other names: short protein forms P4156L, P4315L.
Identifiers: ClinVar variation 4280748 (VCV004280748.7).
Genomic context (GRCh38, chr11:1,099,801, plus strand): 5'-CCCCAACCCCAACACCCACCACTGGAAGCACGGGGCCCCCCACCCACACAAGCACAGCAC[C>T]GATTGCTGAGTTGACCACATCCAATCCTCCGCCTGAGTCCTCAACCCCTCAGACCTCTCG-3'
Protein context (NP_002448.5, residues 4146-4166): TGPPTHTSTA[Pro4156Leu]IAELTTSNPP